The following is an entry in ClinVar:

NM_005787.6(ALG3):c.550C>T (p.Leu184Phe)

Gene: ALG3 (ALG3 alpha-1,3- mannosyltransferase; minus strand). Cytogenetic location: 3q27.1.
Variant type: single nucleotide variant.
Coding change: c.550C>T on transcript NM_005787.6 (MANE Select); coding-DNA position 550, C replaced by T.
Protein change: p.Leu184Phe; replaces leucine 184 with phenylalanine.
Molecular consequence: missense variant. On other transcripts: non-coding transcript variant (2).
Genome position (GRCh38, 1-based): chr3:184,245,253, G>A on the plus strand (C>T on the coding strand, the complement: ALG3 is on the minus strand). VCF-style: chr3-184245253-G-A. GRCh37 (hg19) VCF-style: chr3-183963041-G-A.
Other names: c.406C>T, p.Leu136Phe (NM_001006941.2); short protein forms L136F, L184F.
Identifiers: ClinVar variation 1054881 (VCV001054881.5), dbSNP rs1171334770, ClinGen allele CA355421147.

ClinVar aggregate classification (germline): Uncertain significance (1 of 4 stars; one submission).

Conditions:
ALG3-congenital disorder of glycosylation. Also called: CONGENITAL DISORDER OF GLYCOSYLATION, TYPE Id; CDG Id; ALG3-CDG; CARBOHYDRATE-DEFICIENT GLYCOPROTEIN SYNDROME, TYPE IV; CDGS, TYPE IV. Identifiers: Orphanet 79321, MedGen C1832736, MONDO:0010998, OMIM 601110.

Allele frequency attached by ClinVar (database versions not stated): gnomAD exomes below 0.00001.
gnomAD v4.1: 2 of 1,613,910 alleles (0.00012%); highest among the groups gnomAD compares: South Asian, 0.0011%; no homozygotes.

Submission:

Labcorp Genetics (formerly Invitae), Labcorp
Classification: Uncertain significance for ALG3-congenital disorder of glycosylation. Last evaluated: 2020-01-15. Review status: criteria provided, single submitter. Criteria: Invitae Variant Classification Sherloc (09022015). Collection method: clinical testing. Allele origin: germline.
Comment: In summary, the available evidence is currently insufficient to determine the role of this variant in disease. Therefore, it has been classified as a Variant of Uncertain Significance. Algorithms developed to predict the effect of missense changes on protein structure and function (SIFT, PolyPhen-2, Align-GVGD) all suggest that this variant is likely to be tolerated, but these predictions have not been confirmed by published functional studies and their clinical significance is uncertain. This variant has not been reported in the literature in individuals with ALG3-related conditions. This variant is not present in population databases (ExAC no frequency). This sequence change replaces leucine with phenylalanine at codon 184 of the ALG3 protein (p.Leu184Phe). The leucine residue is moderately conserved and there is a small physicochemical difference between leucine and phenylalanine.